The following is an entry in ClinVar:

NM_000535.7(PMS2):c.2005dup (p.Ser669fs)

Gene: PMS2 (PMS1 homolog 2, mismatch repair system component; minus strand). Cytogenetic location: 7p22.1.
Variant type: Duplication.
Coding change: c.2005dup on transcript NM_000535.7 (MANE Select); coding-DNA position 2005, one base duplicated (A; older notation c.2005dupA).
Protein change: p.Ser669fs; shifts the reading frame from serine 669.
Molecular consequence: frameshift variant. On other transcripts: non-coding transcript variant (1).
Genome position (GRCh38, 1-based): chr7:5,986,760, T duplicated on the plus strand (A on the coding strand, the reverse complement: PMS2 is on the minus strand); the first of 2 consecutive T bases (chr7:5,986,760-5,986,761); duplicating either gives the same sequence. VCF-style (leftmost placement, unchanged base first): chr7-5986759-C-CT. GRCh37 (hg19) VCF-style: chr7-6026390-C-CT.
Other names: c.1599dup, p.Ser534Lysfs (NM_001406889.1, NM_001406890.1, NM_001406891.1 and 12 more transcripts); c.1539dup, p.Ser514Lysfs (NM_001406900.1); c.1530dup, p.Ser511Lysfs (NM_001406901.1, NM_001406902.1); c.1686dup, p.Arg563Lysfs (NM_001406903.1); c.1491dup, p.Ser498Lysfs (NM_001406904.1, NM_001406905.1); c.1443dup, p.Ser482Lysfs (NM_001406906.1, NM_001406907.1); c.1599dup, p.Arg534Lysfs (NM_001406908.1); c.1431dup, p.Ser478Lysfs (NM_001406909.1); and 23 more; short protein forms S534fs, S563fs, S566fs, S478fs, S482fs, S358fs, S617fs, S669fs.
Identifiers: ClinVar variation 1784312 (VCV001784312.2), dbSNP rs773174603, ClinGen allele CA2580076858.

ClinVar aggregate classification (germline): Pathogenic (1 of 4 stars; one submission).

Conditions:
Hereditary cancer-predisposing syndrome. Also called: Neoplastic Syndromes, Hereditary; Tumor predisposition; Hereditary Cancer Syndrome; Hereditary neoplastic syndrome. Identifiers: Orphanet 140162, MedGen C0027672, MeSH D009386, MONDO:0015356.

Submission:

Ambry Genetics
Classification: Pathogenic for Hereditary cancer-predisposing syndrome. Last evaluated: 2018-07-17. Review status: criteria provided, single submitter. Criteria: Ambry Variant Classification Scheme 2023. Collection method: clinical testing. Allele origin: germline.
Comment: The c.2005dupA pathogenic mutation, located in coding exon 11 of the PMS2 gene, results from a duplication of A at nucleotide position 2005, causing a translational frameshift with a predicted alternate stop codon (p.S669Kfs*2). This alteration is expected to result in loss of function by premature protein truncation or nonsense-mediated mRNA decay. As such, this alteration is interpreted as a disease-causing mutation.